The following is an entry in ClinVar:

NM_001267550.2(TTN):c.53918del (p.Gly17973fs)

Genes: TTN-AS1 (TTN antisense RNA 1; plus strand), TTN (titin; minus strand). Cytogenetic location: 2q31.2.
Variant type: Deletion.
Coding change: c.53918del on transcript NM_001267550.2 (MANE Select); coding-DNA position 53918, one base deleted (G; older notation c.53918delG).
Protein change: p.Gly17973fs; shifts the reading frame from glycine 17973.
Molecular consequence: frameshift variant. On other transcripts: non-coding transcript variant (1).
Genome position (GRCh38, 1-based): chr2:178,605,259, C deleted on the plus strand (G on the coding strand, the reverse complement: TTN is on the minus strand); the first of 2 consecutive C bases (chr2:178,605,259-178,605,260); deleting either gives the same sequence. VCF-style (leftmost placement, unchanged base first): chr2-178605258-TC-T. GRCh37 (hg19) VCF-style: chr2-179469985-TC-T.
Other names: c.48995del, p.Gly16332fs (NM_001256850.1); c.26723del, p.Gly8908fs (NM_003319.4); c.46214del, p.Gly15405fs (NM_133378.4); c.27098del, p.Gly9033fs (NM_133432.3); c.27299del, p.Gly9100fs (NM_133437.4); c.53918delG (NM_001267550.2); short protein forms G15405fs, G16332fs, G17973fs, G8908fs, G9033fs, G9100fs.
Identifiers: ClinVar variation 1065190 (VCV001065190.9), dbSNP rs1486129583, ClinGen allele CA538435778.

ClinVar aggregate classification (germline): Pathogenic/Likely pathogenic. Review status: criteria provided, multiple submitters, no conflicts (2 of 4 stars). 6 submissions from 6 submitters: Pathogenic (1); Likely pathogenic (1). 4 of the submissions do not count toward it. Last evaluated 2024-03-01.

Conditions:
TTN-related myopathy. Identifiers: MedGen CN294812, MONDO:0100175.
Primary dilated cardiomyopathy (DCM). Also called: Dilated Cardiomyopathy. Identifiers: Orphanet 217604, MedGen C0007193, MeSH D002311, MONDO:0005021, HP:0001644. Inheritance: Various modes of inheritance.

Submissions (6):

Muscle and Diseases Team, Institut de Génétique et Biologie Moléculaire et Cellulaire
Classification: Likely pathogenic for TTN-related myopathy. Last evaluated: 2024-03-01. Review status: criteria provided, single submitter. Criteria: ACMG Guidelines, 2015. Collection method: research. Allele origin: unknown. Affected: yes. Observed: 1 variant allele.
Comment: PVS1+PM2

Loeys Lab, Universiteit Antwerpen
Classification: Pathogenic for Primary dilated cardiomyopathy. Last evaluated: 2021-02-26. Review status: criteria provided, single submitter. Criteria: ACMG Guidelines, 2015. Collection method: clinical testing. Allele origin: somatic. Affected: yes. Observed: 12 variant alleles, 12 heterozygotes.
Comment: This sequence change results in a truncating variant of the TTN gene (p.(Gly17973Glufs*18))The variant is present in population databases such as gnomAD (1/107016) . The variant has been described before as a Dutch Founder variant (PMID: 31112426) . Functional studies have not been performed. However truncating and frameshift mutations in TTN are a well-known mechanism for dilated cardiomyopathy (PMID: 22335739) (PVS1). The variant is located in the A-band of the titin-protein which is a known hotspot for pathogenic variants (PM1). This variant was identified and co-segregated with DCM in distinct families with DCM (PP1). In conclusion this variant was classified as pathogenic according to ACMG-guidelines (PVS1, PM1, PP1).

Clinical Genetics DNA and cytogenetics Diagnostics Lab, Erasmus MC, Erasmus Medical Center
Classification: Pathogenic. Review status: no assertion criteria provided. Collection method: clinical testing. Allele origin: germline. Affected: yes. Study: VKGL Data-share Consensus. Not counted in ClinVar's aggregate classification.

Clinical Genetics, Academic Medical Center
Classification: Pathogenic. Review status: no assertion criteria provided. Collection method: clinical testing. Allele origin: germline. Affected: yes. Study: VKGL Data-share Consensus. Not counted in ClinVar's aggregate classification.

Genome Diagnostics Laboratory, University Medical Center Utrecht
Classification: Pathogenic. Review status: no assertion criteria provided. Collection method: clinical testing. Allele origin: germline. Affected: yes. Study: VKGL Data-share Consensus. Not counted in ClinVar's aggregate classification.

Joint Genome Diagnostic Labs from Nijmegen and Maastricht, Radboudumc and MUMC+
Classification: Pathogenic. Review status: no assertion criteria provided. Collection method: clinical testing. Allele origin: germline. Affected: yes. Study: VKGL Data-share Consensus. Not counted in ClinVar's aggregate classification.

Literature cited by the submitters: DOI 10.1186/s13073-024-01353-0 (cited by Muscle and Diseases Team, Institut de Génétique et Biologie Moléculaire et Cellulaire); PubMed 22335739 (cited by Loeys Lab, Universiteit Antwerpen).